The following is an entry in ClinVar:

ClinVar aggregate classification (germline): Uncertain significance (1 of 4 stars; one submission).

Conditions:
Hereditary cancer-predisposing syndrome. Also called: Neoplastic Syndromes, Hereditary; Tumor predisposition; Hereditary neoplastic syndrome; Hereditary Cancer Syndrome. Identifiers: Orphanet 140162, MedGen C0027672, MeSH D009386, MONDO:0015356.

Submission:

Ambry Genetics
Classification: Uncertain significance for Hereditary cancer-predisposing syndrome. Last evaluated: 2026-07-06. Review status: criteria provided, single submitter. Criteria: Ambry Variant Classification Scheme 2023. Collection method: clinical testing. Allele origin: germline.
Comment: The p.V281A variant (also known as c.842T>C), located in coding exon 7 of the CDH1 gene, results from a T to C substitution at nucleotide position 842. The valine at codon 281 is replaced by alanine, an amino acid with similar properties. This amino acid position is conserved. In addition, this alteration is predicted to be deleterious by in silico analysis. Based on the available evidence, the clinical significance of this variant remains unclear.

NM_004360.5(CDH1):c.842T>C (p.Val281Ala)

Gene: CDH1 (cadherin 1; plus strand). Cytogenetic location: 16q22.1.
Variant type: single nucleotide variant.
Coding change: c.842T>C on transcript NM_004360.5 (MANE Select); coding-DNA position 842, T replaced by C.
Protein change: p.Val281Ala; replaces valine 281 with alanine.
Molecular consequence: missense variant. On other transcripts: 5 prime UTR variant (2).
Genome position (GRCh38, 1-based): chr16:68,811,693, T>C. VCF-style: chr16-68811693-T-C. GRCh37 (hg19) VCF-style: chr16-68845596-T-C.
Other names: c.842T>C, p.Val281Ala (NM_001317184.2); c.-774T>C (NM_001317185.2); c.-978T>C (NM_001317186.2); short protein forms V281A.
Identifiers: ClinVar variation 5033934 (VCV005033934.1).